The following is an entry in ClinVar:

NM_001393769.1(MED12L):c.4104G>A (p.Met1368Ile)

Genes: MED12L (mediator complex subunit 12L; plus strand), P2RY12 (purinergic receptor P2Y12; minus strand). Cytogenetic location: 3q25.1.
Variant type: single nucleotide variant.
Coding change: c.4104G>A on transcript NM_001393769.1 (MANE Select); coding-DNA position 4104, G replaced by A.
Protein change: p.Met1368Ile; replaces methionine 1368 with isoleucine.
Molecular consequence: missense variant. On other transcripts: intron variant (1).
Genome position (GRCh38, 1-based): chr3:151,376,850, G>A. VCF-style: chr3-151376850-G-A. GRCh37 (hg19) VCF-style: chr3-151094638-G-A.
Other names: c.3999G>A, p.Met1333Ile (NM_053002.6); c.-180+7842C>T (NM_022788.5); short protein forms M1333I, M1368I.
Identifiers: ClinVar variation 3057874 (VCV003057874.2), dbSNP rs2473854687, ClinGen allele CA354972506.

ClinVar aggregate classification (germline): Uncertain significance (0 of 4 stars; one submission).

Conditions:
MED12L-related disorder. Also called: MED12L-related condition.

Submission:

PreventionGenetics, part of Exact Sciences
Classification: Uncertain significance for MED12L-related condition. Last evaluated: 2023-11-09. Review status: no assertion criteria provided. Collection method: clinical testing. Allele origin: germline.
Comment: The MED12L c.3999G>A variant is predicted to result in the amino acid substitution p.Met1333Ile. To our knowledge, this variant has not been reported in the literature or in a large population database, indicating this variant is rare. At this time, the clinical significance of this variant is uncertain due to the absence of conclusive functional and genetic evidence.